The following is an entry in ClinVar:

NM_016038.4(SBDS):c.672A>G (p.Ile224Met)

Gene: SBDS (SBDS ribosome maturation factor; minus strand). Cytogenetic location: 7q11.21.
Variant type: single nucleotide variant.
Coding change: c.672A>G on transcript NM_016038.4 (MANE Select); coding-DNA position 672, A replaced by G.
Protein change: p.Ile224Met; replaces isoleucine 224 with methionine.
Molecular consequence: missense variant.
Genome position (GRCh38, 1-based): chr7:66,988,452, T>C on the plus strand (A>G on the coding strand, the complement: SBDS is on the minus strand). VCF-style: chr7-66988452-T-C. GRCh37 (hg19) VCF-style: chr7-66453439-T-C.
Other names: short protein forms I224M.
Identifiers: ClinVar variation 3792710 (VCV003792710.1).
Genomic context (GRCh38, chr7:66,988,452, plus strand): 5'-TTCTTCTACATCTTTCAGATTGAGTACTTCCAAAGAACCTTTGCCTTTAGTTTCCTTTTT[T>C]ATTAGCTCATCAATTTCTCGGAAGCAGCCCGGGTCAATCAGACATACCTGAAACATTTAA-3'
Protein context (NP_057122.2, residues 214-234): PGCFREIDEL[Ile224Met]KKETKGKGSL

ClinVar aggregate classification (germline): Uncertain significance (1 of 4 stars; one submission).

Conditions:
Inborn genetic diseases. Identifiers: MedGen C0950123, MeSH D030342.

Submission:

Ambry Genetics
Classification: Uncertain significance for Inborn genetic diseases. Last evaluated: 2025-01-11. Review status: criteria provided, single submitter. Criteria: Ambry Variant Classification Scheme 2023. Collection method: clinical testing. Allele origin: germline.
Comment: The p.I224M variant (also known as c.672A>G), located in coding exon 5 of the SBDS gene, results from an A to G substitution at nucleotide position 672. The isoleucine at codon 224 is replaced by methionine, an amino acid with highly similar properties. This amino acid position is conserved. In addition, the in silico prediction for this alteration is inconclusive. Based on the available evidence, the clinical significance of this variant remains unclear.